The following is an entry in ClinVar:

ClinVar aggregate classification (germline): Uncertain significance (1 of 4 stars; one submission).

Conditions:
Autosomal dominant nonsyndromic hearing loss 64. Identifiers: Orphanet 90635, MedGen C3279948, MONDO:0013593, OMIM 614152.

gnomAD v4.1: 4 of 1,614,006 alleles (0.00025%); highest among the groups gnomAD compares: Non-Finnish European, 0.000085%; no homozygotes.

Submission:

Laboratory of Prof. Karen Avraham, Tel Aviv University
Classification: Uncertain significance for Autosomal dominant nonsyndromic hearing loss 64. Last evaluated: 2024-12-25. Review status: criteria provided, single submitter. Criteria: ACMG Guidelines, 2015. Collection method: research. Allele origin: germline. Affected: yes. Observed: 1 variant allele.
Comment: The DIABLO c.274A>G:p.(Thr92Ala) heterozygous variant is extremely rare and predicted deleterious.

NM_001371333.1(DIABLO):c.274A>G (p.Thr92Ala)

Gene: DIABLO (diablo IAP-binding mitochondrial protein; minus strand). Cytogenetic location: 12q24.31.
Variant type: single nucleotide variant.
Coding change: c.274A>G on transcript NM_001371333.1 (MANE Select); coding-DNA position 274, A replaced by G.
Protein change: p.Thr92Ala; replaces threonine 92 with alanine.
Molecular consequence: missense variant. On other transcripts: intron variant (2).
Genome position (GRCh38, 1-based): chr12:122,218,307, T>C on the plus strand (A>G on the coding strand, the complement: DIABLO is on the minus strand). VCF-style: chr12-122218307-T-C. GRCh37 (hg19) VCF-style: chr12-122702854-T-C.
Other names: DFNA64; c.55A>G, p.Thr19Ala (NM_001278303.1); c.115A>G, p.Thr39Ala (NM_001278304.2, NM_138930.3); c.274A>G, p.Thr92Ala (NM_019887.6); c.184-1438A>G (NM_001278342.1); c.25-1438A>G (NM_001278302.1); short protein forms T19A, T39A, T92A.
Identifiers: ClinVar variation 3393394 (VCV003393394.1).